The following is an entry in ClinVar:

ClinVar aggregate classification (germline): Uncertain significance (1 of 4 stars; one submission).

Submission:

Labcorp Genetics (formerly Invitae), Labcorp
Classification: Uncertain significance. Last evaluated: 2022-09-27. Review status: criteria provided, single submitter. Criteria: Invitae Variant Classification Sherloc (09022015). Collection method: clinical testing. Allele origin: germline.
Comment: In summary, the available evidence is currently insufficient to determine the role of this variant in disease. Therefore, it has been classified as a Variant of Uncertain Significance. Algorithms developed to predict the effect of missense changes on protein structure and function are either unavailable or do not agree on the potential impact of this missense change (SIFT: "Deleterious"; PolyPhen-2: "Possibly Damaging"; Align-GVGD: "Class C0"). This variant has not been reported in the literature in individuals affected with DHX37-related conditions. This variant is not present in population databases (gnomAD no frequency). This sequence change replaces arginine, which is basic and polar, with leucine, which is neutral and non-polar, at codon 1101 of the DHX37 protein (p.Arg1101Leu).

NM_032656.4(DHX37):c.3302G>T (p.Arg1101Leu)

Gene: DHX37 (DEAH-box helicase 37; minus strand). Cytogenetic location: 12q24.31.
Variant type: single nucleotide variant.
Coding change: c.3302G>T on transcript NM_032656.4 (MANE Select); coding-DNA position 3302, G replaced by T.
Protein change: p.Arg1101Leu; replaces arginine 1101 with leucine.
Molecular consequence: missense variant.
Genome position (GRCh38, 1-based): chr12:124,948,170, C>A on the plus strand (G>T on the coding strand, the complement: DHX37 is on the minus strand). VCF-style: chr12-124948170-C-A. GRCh37 (hg19) VCF-style: chr12-125432716-C-A.
Other names: short protein forms R1101L.
Identifiers: ClinVar variation 2031398 (VCV002031398.4), dbSNP rs200165099, ClinGen allele CA387216158.